The following is an entry in ClinVar:

NM_003907.3(EIF2B5):c.925G>A (p.Val309Ile)

Gene: EIF2B5 (eukaryotic translation initiation factor 2B subunit epsilon; plus strand). Cytogenetic location: 3q27.1.
Variant type: single nucleotide variant.
Coding change: c.925G>A on transcript NM_003907.3 (MANE Select); coding-DNA position 925, G replaced by A.
Protein change: p.Val309Ile; replaces valine 309 with isoleucine.
Molecular consequence: missense variant.
Genome position (GRCh38, 1-based): chr3:184,140,499, G>A. VCF-style: chr3-184140499-G-A. GRCh37 (hg19) VCF-style: chr3-183858287-G-A.
Other names: short protein forms V309I.
Identifiers: ClinVar variation 1406241 (VCV001406241.8), dbSNP rs113994061, ClinGen allele CA355385100.

ClinVar aggregate classification (germline): Uncertain significance (1 of 4 stars; one submission).

gnomAD v4.1: 3 of 1,614,130 alleles (0.00019%); highest among the groups gnomAD compares: African/African-American, 0.0013%; no homozygotes.

Submission:

Labcorp Genetics (formerly Invitae), Labcorp
Classification: Uncertain significance. Last evaluated: 2022-08-23. Review status: criteria provided, single submitter. Criteria: Invitae Variant Classification Sherloc (09022015). Collection method: clinical testing. Allele origin: germline.
Comment: ClinVar contains an entry for this variant (Variation ID: 1406241). This variant has not been reported in the literature in individuals affected with EIF2B5-related conditions. This variant is not present in population databases (gnomAD no frequency). This sequence change replaces valine, which is neutral and non-polar, with isoleucine, which is neutral and non-polar, at codon 309 of the EIF2B5 protein (p.Val309Ile). Advanced modeling of protein sequence and biophysical properties (such as structural, functional, and spatial information, amino acid conservation, physicochemical variation, residue mobility, and thermodynamic stability) performed at Invitae indicates that this missense variant is not expected to disrupt EIF2B5 protein function. In summary, the available evidence is currently insufficient to determine the role of this variant in disease. Therefore, it has been classified as a Variant of Uncertain Significance.